The following is an entry in ClinVar:

ClinVar aggregate classification (germline): Likely benign. Review status: criteria provided, multiple submitters, no conflicts (2 of 4 stars). 5 submissions from 5 submitters: Likely benign (5). Last evaluated 2026-09-01.

Conditions:
Cardiovascular phenotype. Identifiers: MedGen CN230736.
Hypertrophic cardiomyopathy 14. Identifiers: MedGen C2750467, MONDO:0013197, OMIM 613251.

Allele frequency attached by ClinVar (database versions not stated): TOPMed 0.00003; gnomAD exomes 0.00004 and 0.00006; ExAC 0.00007; gnomAD 0.00011.
gnomAD v4.1: 94 of 1,583,132 alleles (0.0059%); highest among the groups gnomAD compares: Non-Finnish European, 0.0054%; no homozygotes.

Submissions (5):

CeGaT Center for Human Genetics Tuebingen
Classification: Likely benign. Last evaluated: 2026-09-01. Review status: criteria provided, single submitter. Criteria: CeGaT Center For Human Genetics Tuebingen Variant Classification Criteria Version 2. Collection method: clinical testing. Allele origin: germline. Affected: yes. Observed: 1 variant allele.
Comment: MYH6: BP4, BP7

Labcorp Genetics (formerly Invitae), Labcorp
Classification: Likely benign for Hypertrophic cardiomyopathy 14. Last evaluated: 2025-10-20. Review status: criteria provided, single submitter. Criteria: Invitae Variant Classification Sherloc (09022015). Collection method: clinical testing. Allele origin: germline.

Laboratory of Genetics, Children's Clinical University Hospital Latvia
Classification: Likely benign. Last evaluated: 2025-02-16. Review status: criteria provided, single submitter. Criteria: ACMG Guidelines, 2015. Collection method: clinical testing. Allele origin: germline. Affected: yes.

Blueprint Genetics
Classification: Likely benign. Last evaluated: 2024-09-17. Review status: criteria provided, single submitter. Criteria: ACMG Guidelines, 2015. Collection method: clinical testing. Allele origin: germline.

Ambry Genetics
Classification: Likely benign for Cardiovascular phenotype. Last evaluated: 2022-05-11. Review status: criteria provided, single submitter. Criteria: Ambry Variant Classification Scheme 2023. Collection method: clinical testing. Allele origin: germline.

NM_002471.4(MYH6):c.3540G>A (p.Leu1180=)

Gene: MYH6 (myosin heavy chain 6; minus strand). Cytogenetic location: 14q11.2.
Variant type: single nucleotide variant.
Coding change: c.3540G>A on transcript NM_002471.4 (MANE Select); coding-DNA position 3540, G replaced by A.
Protein change: p.Leu1180=; no amino-acid change (leucine 1180 retained).
Molecular consequence: synonymous variant.
Genome position (GRCh38, 1-based): chr14:23,390,249, C>T on the plus strand (G>A on the coding strand, the complement: MYH6 is on the minus strand). VCF-style: chr14-23390249-C-T. GRCh37 (hg19) VCF-style: chr14-23859458-C-T.
Identifiers: ClinVar variation 537980 (VCV000537980.25), dbSNP rs778853343, ClinGen allele CA7115148.